The following is an entry in ClinVar:

NM_004533.4(MYBPC2):c.909G>A (p.Val303=)

Gene: MYBPC2 (myosin binding protein C2; plus strand). Cytogenetic location: 19q13.33.
Variant type: single nucleotide variant.
Coding change: c.909G>A on transcript NM_004533.4 (MANE Select); coding-DNA position 909, G replaced by A.
Protein change: p.Val303=; no amino-acid change (valine 303 retained).
Molecular consequence: synonymous variant.
Genome position (GRCh38, 1-based): chr19:50,443,500, G>A. VCF-style: chr19-50443500-G-A. GRCh37 (hg19) VCF-style: chr19-50946757-G-A.
Identifiers: ClinVar variation 4874090 (VCV004874090.2).

ClinVar aggregate classification (germline): Likely benign (1 of 4 stars; one submission).

gnomAD v4.1: 3 of 1,613,306 alleles (0.00019%); highest among the groups gnomAD compares: Non-Finnish European, 0.00025%; no homozygotes.

Submission:

CeGaT Center for Human Genetics Tuebingen
Classification: Likely benign. Last evaluated: 2026-05-01. Review status: criteria provided, single submitter. Criteria: CeGaT Center For Human Genetics Tuebingen Variant Classification Criteria Version 2. Collection method: clinical testing. Allele origin: germline. Affected: yes. Observed: 1 variant allele.
Comment: MYBPC2: BP4, BP7